The following is an entry in ClinVar:

ClinVar aggregate classification (germline): Likely pathogenic. Review status: criteria provided, multiple submitters, no conflicts (2 of 4 stars). 3 submissions from 3 submitters: Likely pathogenic (2). 1 of the submissions does not count toward it. Last evaluated 2025-03-24.

Conditions:
Glycine encephalopathy 1 (GCE1). Identifiers: MedGen CN376801, MONDO:0958179, OMIM 605899.
Glycine encephalopathy. Also called: Nonketotic hyperglycinemia; Non-ketotic hyperglycinemia. Identifiers: Orphanet 407, MedGen C0751748, MONDO:0011612, HP:0008288.

gnomAD v4.1: 1 of 1,612,892 alleles (0.000062%); highest among the groups gnomAD compares: Non-Finnish European, 0.000085%; no homozygotes.

Submissions (3):

Natera, Inc.
Classification: Likely pathogenic for Non-ketotic hyperglycinemia. Last evaluated: 2025-03-24. Review status: criteria provided, single submitter. Criteria: Natera Variant Classification Schema (03/2026). Collection method: clinical testing. Allele origin: germline.
Comment: The c.395C>G variant in GLDC is a missense variant predicted to cause substitution of serine to tryptophan at amino acid 132. This variant is rare in the general population with a frequency below the threshold expected for the associated phenotype(s). This variant has been observed in one or more individuals affected with the associated recessive disease, as either homozygous or compound heterozygous with a second variant (PMID: 16601880). A different variant at the same position has been determined to be Pathogenic or Likely Pathogenic. Computational prediction algorithms indicate this variant is likely to affect gene or protein function. Given the available evidence, this variant is classified as Likely Pathogenic.

Fulgent Genetics
Classification: Likely pathogenic for Glycine encephalopathy 1. Last evaluated: 2024-03-04. Review status: criteria provided, single submitter. Criteria: ACMG Guidelines, 2015. Collection method: clinical testing. Allele origin: germline.

Juha Muilu Group; Institute for Molecular Medicine Finland (FIMM)
Classification: Likely pathogenic for Non-ketotic hyperglycinemia. Review status: no assertion criteria provided. Collection method: not provided. Allele origin: unknown. Not counted in ClinVar's aggregate classification.
Comment: FinDis database variant: This variant was not found or characterized by our laboratory, data were collected from public sources: see reference
ClinVar note: Converted during submission from probable-pathogenic to Likely pathogenic.

Literature cited by the submitters: PubMed 16601880 (cited by Natera, Inc.).

NM_000170.3(GLDC):c.395C>G (p.Ser132Trp)

Gene: GLDC (glycine decarboxylase; minus strand). Cytogenetic location: 9p24.1.
Variant type: single nucleotide variant.
Coding change: c.395C>G on transcript NM_000170.3 (MANE Select); coding-DNA position 395, C replaced by G.
Protein change: p.Ser132Trp; replaces serine 132 with tryptophan.
Molecular consequence: missense variant.
Genome position (GRCh38, 1-based): chr9:6,620,259, G>C on the plus strand (C>G on the coding strand, the complement: GLDC is on the minus strand). VCF-style: chr9-6620259-G-C. GRCh37 (hg19) VCF-style: chr9-6620259-G-C.
Other names: short protein forms S132W.
Identifiers: ClinVar variation 56094 (VCV000056094.5), dbSNP rs386833576, ClinGen allele CA263411.